The following is an entry in ClinVar:

ClinVar aggregate classification (germline): Conflicting classifications of pathogenicity. Review status: criteria provided, conflicting classifications (1 of 4 stars). 9 submissions from 9 submitters: Uncertain significance (2); Benign (1); Likely benign (5). 1 of the submissions does not count toward it. Last evaluated 2026-01-28.

Conditions:
Succinate-semialdehyde dehydrogenase deficiency (SSADHD). Also called: GABA METABOLIC DEFECT; Succinic Semialdehyde Dehydrogenase Deficiency; 4-HYDROXYBUTYRIC ACIDURIA; SSADH DEFICIENCY. Identifiers: Orphanet 22, MedGen C0268631, MONDO:0010083, OMIM 271980.
ALDH5A1-related disorder. Also called: ALDH5A1-related condition.

Allele frequency attached by ClinVar (database versions not stated): gnomAD exomes 0.00054; ExAC 0.00078; 1000 Genomes Project 30x 0.00203; gnomAD 0.00229; TOPMed 0.00238; 1000 Genomes Project 0.00240; ESP Exome Variant Server 0.00269.
gnomAD v4.1: 606 of 1,614,096 alleles (0.038%); highest among the groups gnomAD compares: African/African-American, 0.66%; 2 homozygotes.

Submissions (9):

Labcorp Genetics (formerly Invitae), Labcorp
Classification: Benign for Succinate-semialdehyde dehydrogenase deficiency. Last evaluated: 2026-01-28. Review status: criteria provided, single submitter. Criteria: Invitae Variant Classification Sherloc (09022015). Collection method: clinical testing. Allele origin: germline.

Mayo Clinic Laboratories, Mayo Clinic
Classification: Likely benign. Last evaluated: 2025-11-23. Review status: criteria provided, single submitter. Criteria: ACMG Guidelines, 2015. Collection method: clinical testing. Allele origin: germline. Observed: 1 variant allele.
Comment: BS1, BP4

Blueprint Genetics
Classification: Likely benign. Last evaluated: 2024-10-18. Review status: criteria provided, single submitter. Criteria: ACMG Guidelines, 2015. Collection method: clinical testing. Allele origin: germline.

Genetic Services Laboratory, University of Chicago
Classification: Uncertain significance. Last evaluated: 2018-12-14. Review status: criteria provided, single submitter. Criteria: ACMG Guidelines, 2015. Collection method: clinical testing. Allele origin: germline. Affected: no.

Illumina Laboratory Services, Illumina
Classification: Likely benign for Succinate-semialdehyde dehydrogenase deficiency. Last evaluated: 2018-01-13. Review status: criteria provided, single submitter. Criteria: ICSL Variant Classification Criteria 13 December 2019. Collection method: clinical testing. Allele origin: germline.
Comment: This variant was observed in the ICSL laboratory as part of a predisposition screen in an ostensibly healthy population. It had not been previously curated by ICSL or reported in the Human Gene Mutation Database (HGMD: prior to June 1st, 2018), and was therefore a candidate for classification through an automated scoring system. Utilizing variant allele frequency, disease prevalence and penetrance estimates, and inheritance mode, an automated score was calculated to assess if this variant is too frequent to cause the disease. Based on the score and internal cut-off values, a variant classified as likely benign is not then subjected to further curation. The score for this variant resulted in a classification of likely benign for this disease.

GeneDx
Classification: Uncertain significance. Last evaluated: 2017-10-24. Review status: criteria provided, single submitter. Criteria: GeneDx Variant Classification (06012015). Collection method: clinical testing. Allele origin: germline. Affected: yes.
Comment: The D450N variant in the ALDH5A1 gene has not been reported previously as a pathogenic variant, nor as a benign variant, to our knowledge. However, D450N is reported as likely benign in ClinVar by different clinical laboratories, but additional evidence is not available (ClinVar SCV000340750.2; ClinVar SCV000511533.1; Landrum et al., 2016). This variant is observed in 177/24,038 alleles (0.74%) from individuals of African background in large population cohorts, including 2 homozygous control individuals (Lek et al., 2016). The D450N variant is a semi-conservative amino acid substitution, which may impact secondary protein structure as these residues differ in some properties. However, this substitution occurs at a position that is not conserved across species, and in silico analysis is inconsistent in its predictions as to whether or not the variant is damaging to the protein structure/function. We interpret D450N as a variant of uncertain significance.

Center for Pediatric Genomic Medicine, Children's Mercy Hospital and Clinics
Classification: Likely benign. Last evaluated: 2016-09-01. Review status: criteria provided, single submitter. Criteria: ACMG Guidelines, 2015. Collection method: clinical testing. Allele origin: germline.
ClinVar note: Converted during submission from Likely Benign to Likely benign.

Eurofins Ntd Llc (ga)
Classification: Likely benign. Last evaluated: 2016-04-12. Review status: criteria provided, single submitter. Criteria: EGL Classification Definitions 2015. Collection method: clinical testing. Allele origin: germline. Observed: 1 variant allele, 1 heterozygote.

PreventionGenetics, part of Exact Sciences
Classification: Benign for ALDH5A1-related condition. Last evaluated: 2022-06-21. Review status: no assertion criteria provided. Collection method: clinical testing. Allele origin: germline. Not counted in ClinVar's aggregate classification.
Comment: This variant is classified as benign based on ACMG/AMP sequence variant interpretation guidelines (Richards et al. 2015 PMID: 25741868, with internal and published modifications).

NM_001080.3(ALDH5A1):c.1348G>A (p.Asp450Asn)

Gene: ALDH5A1 (aldehyde dehydrogenase 5 family member A1; plus strand). Cytogenetic location: 6p22.3.
Variant type: single nucleotide variant.
Coding change: c.1348G>A on transcript NM_001080.3 (MANE Select); coding-DNA position 1348, G replaced by A.
Protein change: p.Asp450Asn; replaces aspartic acid 450 with asparagine.
Molecular consequence: missense variant.
Genome position (GRCh38, 1-based): chr6:24,532,123, G>A. VCF-style: chr6-24532123-G-A. GRCh37 (hg19) VCF-style: chr6-24532351-G-A.
Other names: p.Asp450Asn; c.1204G>A, p.Asp402Asn (NM_001368954.1); c.1387G>A, p.Asp463Asn (NM_170740.1); short protein forms D463N, D450N, D402N.
Identifiers: ClinVar variation 287090 (VCV000287090.29), dbSNP rs144177566, ClinGen allele CA3656925.